The following is an entry in ClinVar:

NM_052947.4(ALPK2):c.2090T>A (p.Val697Asp)

Gene: ALPK2 (alpha kinase 2; minus strand). Cytogenetic location: 18q21.31.
Variant type: single nucleotide variant.
Coding change: c.2090T>A on transcript NM_052947.4 (MANE Select); coding-DNA position 2090, T replaced by A.
Protein change: p.Val697Asp; replaces valine 697 with aspartic acid.
Molecular consequence: missense variant.
Genome position (GRCh38, 1-based): chr18:58,538,097, A>T on the plus strand (T>A on the coding strand, the complement: ALPK2 is on the minus strand). VCF-style: chr18-58538097-A-T. GRCh37 (hg19) VCF-style: chr18-56205329-A-T.
Other names: short protein forms V697D.
Identifiers: ClinVar variation 3228610 (VCV003228610.1), dbSNP rs2518878125, ClinGen allele CA402571732.

ClinVar aggregate classification (germline): Uncertain significance (1 of 4 stars; one submission).

Submission:

Ambry Genetics
Classification: Uncertain significance. Last evaluated: 2024-01-27. Review status: criteria provided, single submitter. Criteria: Ambry Variant Classification Scheme 2023. Collection method: clinical testing. Allele origin: germline.
Comment: The p.V697D variant (also known as c.2090T>A), located in coding exon 4 of the ALPK2 gene, results from a T to A substitution at nucleotide position 2090. The valine at codon 697 is replaced by aspartic acid, an amino acid with highly dissimilar properties. This amino acid position is conserved. In addition, this alteration is predicted to be tolerated by in silico analysis. Based on the available evidence, the clinical significance of this alteration remains unclear.